The following is an entry in ClinVar:

ClinVar aggregate classification (germline): Likely benign (0 of 4 stars; one submission).

Conditions:
TRPS1-related disorder. Also called: TRPS1-related condition.

Allele frequency attached by ClinVar (database versions not stated): ExAC 0.00001; gnomAD 0.00001; gnomAD exomes 0.00001; TOPMed 0.00002.

Submission:

PreventionGenetics, part of Exact Sciences
Classification: Likely benign for TRPS1-related condition. Last evaluated: 2019-06-14. Review status: no assertion criteria provided. Collection method: clinical testing. Allele origin: germline.
Comment: This variant is classified as likely benign based on ACMG/AMP sequence variant interpretation guidelines (Richards et al. 2015 PMID: 25741868, with internal and published modifications).

NM_014112.5(TRPS1):c.1404T>C (p.Tyr468=)

Gene: TRPS1 (transcriptional repressor GATA binding 1; minus strand). Cytogenetic location: 8q23.3.
Variant type: single nucleotide variant.
Coding change: c.1404T>C on transcript NM_014112.5 (MANE Select); coding-DNA position 1404, T replaced by C.
Protein change: p.Tyr468=; no amino-acid change (tyrosine 468 retained).
Molecular consequence: synonymous variant.
Genome position (GRCh38, 1-based): chr8:115,604,565, A>G on the plus strand (T>C on the coding strand, the complement: TRPS1 is on the minus strand). VCF-style: chr8-115604565-A-G. GRCh37 (hg19) VCF-style: chr8-116616792-A-G.
Other names: c.1377T>C, p.Tyr459= (NM_001282902.3); c.1383T>C, p.Tyr461= (NM_001282903.3); c.1365T>C, p.Tyr455= (NM_001330599.2).
Identifiers: ClinVar variation 3033779 (VCV003033779.2), dbSNP rs777927458, ClinGen allele CA4851833.